The following is an entry in ClinVar:

ClinVar aggregate classification (germline): Uncertain significance. Review status: criteria provided, multiple submitters, no conflicts (2 of 4 stars). 7 submissions from 6 submitters: Uncertain significance (6). 1 of the submissions does not count toward it. Last evaluated 2025-02-21.

Conditions:
HSPG2-related disorder. Also called: HSPG2-related condition; HSPG2-related disorders.
Lethal Kniest-like syndrome (DDSH). Also called: Dyssegmental Dysplasia. Identifiers: Orphanet 1865, MedGen C1857100, MONDO:0009140, OMIM 224410.
Schwartz-Jampel syndrome. Also called: Myotonic myopathy dwarfism chondrodystrophy and ocular and facial abnormalities. Identifiers: Orphanet 800, MedGen C0036391, MONDO:0009717.

Allele frequency attached by ClinVar (database versions not stated): 1000 Genomes Project 30x 0.00016; 1000 Genomes Project 0.00020; gnomAD 0.00054; ESP Exome Variant Server 0.00069; TOPMed 0.00076.
gnomAD v4.1: 324 of 1,614,108 alleles (0.02%); highest among the groups gnomAD compares: African/African-American, 0.18%; 2 homozygotes.

Submissions (7):

Athena Diagnostics
Classification: Uncertain significance. Last evaluated: 2025-02-21. Review status: criteria provided, single submitter. Criteria: Athena Diagnostics Criteria. Collection method: clinical testing. Allele origin: unknown.
Comment: Available data are insufficient to determine the clinical significance of the variant at this time. The frequency of this variant in the general population is higher than would generally be expected for pathogenic variants in this gene. Polyphen and MutationTaster yielded discordant predictions regarding whether this amino acid change is damaging to the protein.

Labcorp Genetics (formerly Invitae), Labcorp
Classification: Uncertain significance. Last evaluated: 2022-11-01. Review status: criteria provided, single submitter. Criteria: Invitae Variant Classification Sherloc (09022015). Collection method: clinical testing. Allele origin: germline.
Comment: This sequence change replaces arginine, which is basic and polar, with histidine, which is basic and polar, at codon 850 of the HSPG2 protein (p.Arg850His). This variant is present in population databases (rs140392638, gnomAD 0.2%), including at least one homozygous and/or hemizygous individual. This variant has not been reported in the literature in individuals affected with HSPG2-related conditions. ClinVar contains an entry for this variant (Variation ID: 447544). Algorithms developed to predict the effect of missense changes on protein structure and function are either unavailable or do not agree on the potential impact of this missense change (SIFT: "Deleterious"; PolyPhen-2: "Probably Damaging"; Align-GVGD: "Class C0"). In summary, the available evidence is currently insufficient to determine the role of this variant in disease. Therefore, it has been classified as a Variant of Uncertain Significance.

ARUP Laboratories, Molecular Genetics and Genomics, ARUP Laboratories
Classification: Uncertain significance. Last evaluated: 2020-04-23. Review status: criteria provided, single submitter. Criteria: ARUP Molecular Germline Variant Investigation Process. Collection method: clinical testing. Allele origin: germline.
Comment: The HSPG2 c.2549G>A; p.Arg850His variant (rs140392638), to our knowledge, is not reported in the medical literature but is reported in ClinVar (Variation ID: 447544). This variant is found in the general population with an overall allele frequency of 0.04% (99/282152 alleles, including one homozygote) in the Genome Aggregation Database. The arginine at codon 850 is moderately conserved and computational analyses (SIFT, PolyPhen-2) predict that this variant is deleterious. However, due to limited information, the clinical significance of the p.Arg850His variant is uncertain at this time.

Revvity Omics, Revvity
Classification: Uncertain significance. Last evaluated: 2019-07-23. Review status: criteria provided, single submitter. Criteria: ACMG Guidelines, 2015. Collection method: clinical testing. Allele origin: germline.

Illumina Laboratory Services, Illumina
Classification: Uncertain significance for Lethal Kniest-like syndrome. Last evaluated: 2018-01-12. Review status: criteria provided, single submitter. Criteria: ICSL Variant Classification Criteria 13 December 2019. Collection method: clinical testing. Allele origin: germline.

Illumina Laboratory Services, Illumina
Classification: Uncertain significance for Schwartz-Jampel syndrome type 1. Last evaluated: 2018-01-12. Review status: criteria provided, single submitter. Criteria: ICSL Variant Classification Criteria 13 December 2019. Collection method: clinical testing. Allele origin: germline.

PreventionGenetics, part of Exact Sciences
Classification: Likely benign for HSPG2-related condition. Last evaluated: 2024-06-14. Review status: no assertion criteria provided. Collection method: clinical testing. Allele origin: germline. Not counted in ClinVar's aggregate classification.
Comment: This variant is classified as likely benign based on ACMG/AMP sequence variant interpretation guidelines (Richards et al. 2015 PMID: 25741868, with internal and published modifications).

Literature cited by the submitters: PubMed 35885997 (cited by Athena Diagnostics); PubMed 39271758 (cited by Athena Diagnostics).

NM_005529.7(HSPG2):c.2549G>A (p.Arg850His)

Gene: HSPG2 (heparan sulfate proteoglycan 2; minus strand). Cytogenetic location: 1p36.12.
Variant type: single nucleotide variant.
Coding change: c.2549G>A on transcript NM_005529.7 (MANE Select); coding-DNA position 2549, G replaced by A.
Protein change: p.Arg850His; replaces arginine 850 with histidine.
Molecular consequence: missense variant.
Genome position (GRCh38, 1-based): chr1:21,878,586, C>T on the plus strand (G>A on the coding strand, the complement: HSPG2 is on the minus strand). VCF-style: chr1-21878586-C-T. GRCh37 (hg19) VCF-style: chr1-22205079-C-T.
Other names: c.2552G>A, p.Arg851His (NM_001291860.2); short protein forms R850H, R851H.
Identifiers: ClinVar variation 447544 (VCV000447544.19), dbSNP rs140392638, ClinGen allele CA673012.